The following is an entry in ClinVar:

ClinVar aggregate classification (germline): Uncertain significance (1 of 4 stars; one submission).

Conditions:
Congenital myasthenic syndrome 8. Also called: MYASTHENIC SYNDROME, CONGENITAL, DUE TO AGRIN DEFICIENCY; Myasthenic syndrome, congenital, 8, with pre- and postsynaptic defects. Identifiers: Orphanet 590, MedGen C3808739, MONDO:0014052, OMIM 615120.

Submission:

Labcorp Genetics (formerly Invitae), Labcorp
Classification: Uncertain significance for Congenital myasthenic syndrome 8. Last evaluated: 2023-09-20. Review status: criteria provided, single submitter. Criteria: Invitae Variant Classification Sherloc (09022015). Collection method: clinical testing. Allele origin: germline.
Comment: This variant is not present in population databases (gnomAD no frequency). This sequence change replaces glycine, which is neutral and non-polar, with aspartic acid, which is acidic and polar, at codon 917 of the AGRN protein (p.Gly917Asp). This variant has not been reported in the literature in individuals affected with AGRN-related conditions. In summary, the available evidence is currently insufficient to determine the role of this variant in disease. Therefore, it has been classified as a Variant of Uncertain Significance. An algorithm developed to predict the effect of missense changes on protein structure and function (PolyPhen-2) suggests that this variant is likely to be disruptive. ClinVar contains an entry for this variant (Variation ID: 1467097).

NM_198576.4(AGRN):c.2750G>A (p.Gly917Asp)

Gene: AGRN (agrin; plus strand). Cytogenetic location: 1p36.33.
Variant type: single nucleotide variant.
Coding change: c.2750G>A on transcript NM_198576.4 (MANE Select); coding-DNA position 2750, G replaced by A.
Protein change: p.Gly917Asp; replaces glycine 917 with aspartic acid.
Molecular consequence: missense variant.
Genome position (GRCh38, 1-based): chr1:1,046,033, G>A. VCF-style: chr1-1046033-G-A. GRCh37 (hg19) VCF-style: chr1-981413-G-A.
Other names: c.2750G>A, p.Gly917Asp (NM_001305275.2); c.2435G>A, p.Gly812Asp (NM_001364727.2); short protein forms G917D, G812D.
Identifiers: ClinVar variation 1467097 (VCV001467097.6), dbSNP rs2100656885, ClinGen allele CA337842957.